The following is an entry in ClinVar:

ClinVar aggregate classification (germline): Uncertain significance (1 of 4 stars; one submission).

gnomAD v4.1: 2 of 1,613,992 alleles (0.00012%); highest among the groups gnomAD compares: Non-Finnish European, 0.00017%; no homozygotes.

Submission:

Labcorp Genetics (formerly Invitae), Labcorp
Classification: Uncertain significance. Last evaluated: 2025-10-14. Review status: criteria provided, single submitter. Criteria: Invitae Variant Classification Sherloc (09022015). Collection method: clinical testing. Allele origin: germline.
Comment: This sequence change replaces phenylalanine, which is neutral and non-polar, with leucine, which is neutral and non-polar, at codon 1426 of the NYNRIN protein (p.Phe1426Leu). This variant is present in population databases (rs752053594, gnomAD 0.002%). This variant has not been reported in the literature in individuals affected with NYNRIN-related conditions. Experimental studies and prediction algorithms are not available or were not evaluated, and the functional significance of this variant is currently unknown. In summary, the available evidence is currently insufficient to determine the role of this variant in disease. Therefore, it has been classified as a Variant of Uncertain Significance.

NM_025081.3(NYNRIN):c.4276T>C (p.Phe1426Leu)

Gene: NYNRIN (NYN domain and retroviral integrase containing; plus strand). Cytogenetic location: 14q12.
Variant type: single nucleotide variant.
Coding change: c.4276T>C on transcript NM_025081.3 (MANE Select); coding-DNA position 4276, T replaced by C.
Protein change: p.Phe1426Leu; replaces phenylalanine 1426 with leucine.
Molecular consequence: missense variant.
Genome position (GRCh38, 1-based): chr14:24,416,025, T>C. VCF-style: chr14-24416025-T-C. GRCh37 (hg19) VCF-style: chr14-24885231-T-C.
Other names: short protein forms F1426L.
Identifiers: ClinVar variation 4799419 (VCV004799419.1).